The following is an entry in ClinVar:

NM_021871.4(FGA):c.1055del (p.Pro352fs)

Gene: FGA (fibrinogen alpha chain; minus strand). Cytogenetic location: 4q31.3.
Variant type: Deletion.
Coding change: c.1055del on transcript NM_021871.4 (MANE Select); coding-DNA position 1055, one base deleted (C; older notation c.1055delC).
Protein change: p.Pro352fs; shifts the reading frame from proline 352.
Molecular consequence: frameshift variant.
Genome position (GRCh38, 1-based): chr4:154,586,374, G deleted on the plus strand (C on the coding strand, the reverse complement: FGA is on the minus strand); the first of 3 consecutive G bases (chr4:154,586,374-154,586,376); deleting any one gives the same sequence. VCF-style (leftmost placement, unchanged base first): chr4-154586373-AG-A. GRCh37 (hg19) VCF-style: chr4-155507525-AG-A.
Other names: p.Pro352Leufs*69; c.1055del, p.Pro352fs (NM_000508.5); short protein forms P352fs.
Identifiers: ClinVar variation 1684487 (VCV001684487.4), dbSNP rs1299596156, ClinGen allele CA555971684.

ClinVar aggregate classification (germline): Pathogenic/Likely pathogenic. Review status: criteria provided, multiple submitters, no conflicts (2 of 4 stars). 3 submissions from 3 submitters: Pathogenic (1); Likely pathogenic (1). 1 of the submissions does not count toward it. Last evaluated 2025-12-03.

Conditions:
Congenital afibrinogenemia. Identifiers: Orphanet 335, Orphanet 98880, MedGen C2584774, MONDO:0008737, OMIM 202400.
Familial visceral amyloidosis, Ostertag type (AMYLD2). Also called: Ostertag type amyloidosis; Amyloidosis, hepatic and systemic; Familial visceral amyloidosis; AMYLOIDOSIS, HEREDITARY SYSTEMIC 2; Hereditary Renal Amyloidosis; AMYLOIDOSIS VIII. Identifiers: Orphanet 85450, MedGen C0268389, MONDO:0007099, OMIM 105200.
Familial dysfibrinogenemia. Also called: Dysfibrinogenemia, congenital. Identifiers: Orphanet 335, Orphanet 98881, MedGen C0272350, MONDO:0014452, OMIM 616004.
Afibrinogenemia. Identifiers: Orphanet 200418, MedGen C0001733, MeSH D000347, HP:0034287.

Submissions (3):

Mayo Clinic Laboratories, Mayo Clinic
Classification: Pathogenic. Last evaluated: 2025-12-03. Review status: criteria provided, single submitter. Criteria: ACMG Guidelines, 2015. Collection method: clinical testing. Allele origin: germline. Observed: 3 variant alleles.
Comment: PP5, PM2_supporting, PM3_supporting, PVS1

Fulgent Genetics
Classification: Likely pathogenic for Familial visceral amyloidosis, Ostertag type; Congenital afibrinogenemia; Familial dysfibrinogenemia. Last evaluated: 2024-02-23. Review status: criteria provided, single submitter. Criteria: ACMG Guidelines, 2015. Collection method: clinical testing. Allele origin: germline.

ISTH-SSC Genomics in Thrombosis and Hemostasis, KU Leuven, Center for Molecular and Vascular Biology
Classification: Likely pathogenic for Afibrinogenemia. Review status: no assertion criteria provided. Collection method: research. Allele origin: unknown. Affected: yes. Not counted in ClinVar's aggregate classification.
Comment: Submitted to GoldVariant by Dr Karyn Mégy from NIHR Bioresource - Cambridge University, UK

Literature cited by the submitters: PubMed 10891444 (cited by Mayo Clinic Laboratories, Mayo Clinic); PubMed 17295221 (cited by Mayo Clinic Laboratories, Mayo Clinic); PubMed 19417632 (cited by Mayo Clinic Laboratories, Mayo Clinic); PubMed 32497950 (cited by Mayo Clinic Laboratories, Mayo Clinic).